The following is an entry in ClinVar:

ClinVar aggregate classification (germline): Uncertain significance (1 of 4 stars; one submission).

Submission:

GeneDx
Classification: Uncertain significance. Last evaluated: 2024-11-14. Review status: criteria provided, single submitter. Criteria: GeneDx Variant Classification Process June 2021. Collection method: clinical testing. Allele origin: germline. Affected: yes.
Comment: Not observed at significant frequency in large population cohorts (gnomAD); In silico analysis supports that this missense variant has a deleterious effect on protein structure/function; Has not been previously published as pathogenic or benign to our knowledge; This substitution is predicted to be within the transmembrane segment S5 of the fourth homologous domain

NM_001040142.2(SCN2A):c.4990G>A (p.Gly1664Ser)

Gene: SCN2A (sodium voltage-gated channel alpha subunit 2; plus strand). Cytogenetic location: 2q24.3.
Variant type: single nucleotide variant.
Coding change: c.4990G>A on transcript NM_001040142.2 (MANE Select); coding-DNA position 4990, G replaced by A.
Protein change: p.Gly1664Ser; replaces glycine 1664 with serine.
Molecular consequence: missense variant.
Genome position (GRCh38, 1-based): chr2:165,388,796, G>A. VCF-style: chr2-165388796-G-A. GRCh37 (hg19) VCF-style: chr2-166245306-G-A.
Other names: c.4990G>A, p.Gly1664Ser (NM_001040143.2, NM_001371246.1, NM_001371247.1 and 1 more transcripts); short protein forms G1664S.
Identifiers: ClinVar variation 3899631 (VCV003899631.1).